The following is an entry in ClinVar:

NM_000152.5(GAA):c.319G>A (p.Gly107Ser)

Gene: GAA (alpha glucosidase; plus strand). Cytogenetic location: 17q25.3.
Variant type: single nucleotide variant.
Coding change: c.319G>A on transcript NM_000152.5 (MANE Select); coding-DNA position 319, G replaced by A.
Protein change: p.Gly107Ser; replaces glycine 107 with serine.
Molecular consequence: missense variant.
Genome position (GRCh38, 1-based): chr17:80,104,905, G>A. VCF-style: chr17-80104905-G-A. GRCh37 (hg19) VCF-style: chr17-78078704-G-A.
Other names: c.319G>A (LRG_673t1); c.319G>A, p.Gly107Ser (NM_001079803.3, NM_001079804.3); short protein forms G107S.
Identifiers: ClinVar variation 526534 (VCV000526534.12), dbSNP rs151323405, ClinGen allele CA8814850.

ClinVar aggregate classification (germline): Uncertain significance. Review status: criteria provided, multiple submitters, no conflicts (2 of 4 stars). 4 submissions from 4 submitters: Uncertain significance (3). 1 of the submissions does not count toward it. Last evaluated 2026-09-30.

Conditions:
Glycogen storage disease, type II (IOPD). Also called: Pompe Disease; CARDIOMEGALIA GLYCOGENICA DIFFUSA; Glycogen storage disease type 2; Acid maltase deficiency disease; Aglucosidase alfa; Deficiency of alpha-glucosidase. Identifiers: Orphanet 365, MedGen C0017921, MONDO:0009290, OMIM 232300.

Allele frequency attached by ClinVar (database versions not stated): gnomAD 0.00003; TOPMed 0.00003; ExAC 0.00007; gnomAD exomes 0.00004; 1000 Genomes Project 30x 0.00016; 1000 Genomes Project 0.00020.
gnomAD v4.1: 50 of 1,612,530 alleles (0.0031%); highest among the groups gnomAD compares: South Asian, 0.029%; 1 homozygote.

Submissions (4):

GeneDx
Classification: Uncertain significance. Last evaluated: 2026-09-30. Review status: criteria provided, single submitter. Criteria: GeneDx Variant Classification Process June 2021. Collection method: clinical testing. Allele origin: germline.
Comment: Previously reported, with a second GAA variant (phase unknown) in an individual with limb-girdle muscle weakness; however, further clinical and segregation details were not available (PMID: 39678382); In silico analysis supports that this missense variant has a deleterious effect on protein structure/function; This variant is associated with the following publications: (PMID: 19343043, 22253258, 29273096, 39678382)

Myriad Genetics, Inc.
Classification: Uncertain significance for Glycogen storage disease, type II. Last evaluated: 2025-09-17. Review status: criteria provided, single submitter. Criteria: Myriad Autosomal Dominant, Autosomal Recessive and X-Linked Classification Criteria (2023). Collection method: clinical testing. Allele origin: unknown.
Comment: NM_000152.3(GAA):c.319G>A(G107S) is a missense variant classified as a variant of uncertain significance in the context of Pompe disease. G107S has not been observed in cases with relevant disease. Relevant functional assessments of this variant are not available in the literature. G107S has been observed in referenced population frequency databases. In summary, there is insufficient evidence to classify NM_000152.3(GAA):c.319G>A(G107S) as pathogenic or benign. Please note: this variant was assessed in the context of healthy population screening.

Labcorp Genetics (formerly Invitae), Labcorp
Classification: Uncertain significance for Glycogen storage disease, type II. Last evaluated: 2025-01-16. Review status: criteria provided, single submitter. Criteria: Invitae Variant Classification Sherloc (09022015). Collection method: clinical testing. Allele origin: germline.
Comment: This sequence change replaces glycine, which is neutral and non-polar, with serine, which is neutral and polar, at codon 107 of the GAA protein (p.Gly107Ser). This variant is present in population databases (rs151323405, gnomAD 0.03%). This variant has not been reported in the literature in individuals affected with GAA-related conditions. ClinVar contains an entry for this variant (Variation ID: 526534). Invitae Evidence Modeling of protein sequence and biophysical properties (such as structural, functional, and spatial information, amino acid conservation, physicochemical variation, residue mobility, and thermodynamic stability) indicates that this missense variant is expected to disrupt GAA protein function with a positive predictive value of 95%. In summary, the available evidence is currently insufficient to determine the role of this variant in disease. Therefore, it has been classified as a Variant of Uncertain Significance.

Natera, Inc.
Classification: Uncertain significance for Glycogen storage disease type II. Last evaluated: 2019-10-28. Review status: no assertion criteria provided. Collection method: clinical testing. Allele origin: germline. Not counted in ClinVar's aggregate classification.